The following is an entry in ClinVar:

NM_004100.5(EYA4):c.83+6G>C

Gene: EYA4 (EYA transcriptional coactivator and phosphatase 4; plus strand). Cytogenetic location: 6q23.2.
Variant type: single nucleotide variant.
Coding change: c.83+6G>C on transcript NM_004100.5 (MANE Select); 6 bases into the intron after coding-DNA position 83, G replaced by C.
Molecular consequence: intron variant.
Genome position (GRCh38, 1-based): chr6:133,382,447, G>C. VCF-style: chr6-133382447-G-C. GRCh37 (hg19) VCF-style: chr6-133703585-G-C.
Other names: c.83+6G>C (NM_001301013.2, NM_172105.4, NM_001370458.1 and 3 more transcripts).
Identifiers: ClinVar variation 465991 (VCV000465991.10), dbSNP rs200479266, ClinGen allele CA658657625.
Genomic context (GRCh38, chr6:133,382,447, plus strand): 5'-TACAGGTAAAGAAAACGTGCACAGAATCAGATGTTTCACAATCTCAGAATTCCAGGTACA[G>C]TAAAATAAAGACCAAGACTCCCCTAAGGAGAATTGCAGTTTCGGAGCACTAGTAAGATGT-3'

ClinVar aggregate classification (germline): Uncertain significance (1 of 4 stars; one submission).

Conditions:
Dilated cardiomyopathy 1J (CMD1J). Also called: CARDIOMYOPATHY, DILATED, WITH SENSORINEURAL HEARING LOSS, AUTOSOMAL DOMINANT. Identifiers: Orphanet 217622, MedGen C1854368, MONDO:0011541, OMIM 605362.

gnomAD v4.1: 6 of 1,602,152 alleles (0.00037%); highest among the groups gnomAD compares: Non-Finnish European, 0.00043%; no homozygotes.

Submission:

Labcorp Genetics (formerly Invitae), Labcorp
Classification: Uncertain significance for Dilated cardiomyopathy 1J. Last evaluated: 2019-06-22. Review status: criteria provided, single submitter. Criteria: Invitae Variant Classification Sherloc (09022015). Collection method: clinical testing. Allele origin: germline.
Comment: This variant has not been reported in the literature in individuals with EYA4-related disease. In summary, the available evidence is currently insufficient to determine the role of this variant in disease. Therefore, it has been classified as a Variant of Uncertain Significance. Nucleotide substitutions within the consensus splice site are relatively common causes of aberrant splicing (PMID: 17576681, 9536098). Algorithms developed to predict the effect of sequence changes on RNA splicing suggest that this variant may disrupt the consensus splice site, but this prediction has not been confirmed by published transcriptional studies. This variant is not present in population databases (ExAC no frequency). This sequence change falls in intron 3 of the EYA4 gene. It does not directly change the encoded amino acid sequence of the EYA4 protein, but it affects a nucleotide within the consensus splice site of the intron.

Literature cited by the submitters: PubMed 17576681; PubMed 9536098.